The following is an entry in ClinVar:

ClinVar aggregate classification (germline): Uncertain significance (1 of 4 stars; one submission).

Submission:

Labcorp Genetics (formerly Invitae), Labcorp
Classification: Uncertain significance. Last evaluated: 2025-04-02. Review status: criteria provided, single submitter. Criteria: Invitae Variant Classification Sherloc (09022015). Collection method: clinical testing. Allele origin: germline.
Comment: This sequence change creates a premature translational stop signal (p.Leu769Trpfs*5) in the TNNI3K gene. It is expected to result in an absent or disrupted protein product. However, the current clinical and genetic evidence is not sufficient to establish whether loss-of-function variants in TNNI3K cause disease. This variant is not present in population databases (gnomAD no frequency). This variant has not been reported in the literature in individuals affected with TNNI3K-related conditions. ClinVar contains an entry for this variant (Variation ID: 2023973). Experimental studies and prediction algorithms are not available or were not evaluated, and the functional significance of this variant is currently unknown. In summary, the available evidence is currently insufficient to determine the role of this variant in disease. Therefore, it has been classified as a Variant of Uncertain Significance.

NM_015978.3(TNNI3K):c.2306del (p.Leu769fs)

Genes: FPGT-TNNI3K (FPGT-TNNI3K readthrough; plus strand), LRRC53 (leucine rich repeat containing 53; minus strand), TNNI3K (TNNI3 interacting kinase; plus strand). Cytogenetic location: 1p31.1.
Variant type: Deletion.
Coding change: c.2306del on transcript NM_015978.3 (MANE Select); coding-DNA position 2306, one base deleted (T; older notation c.2306delT).
Protein change: p.Leu769fs; shifts the reading frame from leucine 769.
Molecular consequence: frameshift variant. On other transcripts: intron variant (2).
Genome position (GRCh38, 1-based): chr1:74,492,221, T deleted; the last of 2 consecutive T bases (chr1:74,492,220-74,492,221); deleting either gives the same sequence. VCF-style (leftmost placement, unchanged base first): chr1-74492219-AT-A. GRCh37 (hg19) VCF-style: chr1-74957903-AT-A.
Other names: c.2609del, p.Leu870fs (NM_001112808.3); c.-8-11252del (NM_001364666.2); c.-26-8845del (NM_001382280.1); short protein forms L769fs, L870fs.
Identifiers: ClinVar variation 2023973 (VCV002023973.4), dbSNP rs2524982359, ClinGen allele CA2580063230.